The following is an entry in ClinVar:

ClinVar aggregate classification (germline): Uncertain significance (1 of 4 stars; one submission).

Submission:

Ambry Genetics
Classification: Uncertain significance. Last evaluated: 2026-08-04. Review status: criteria provided, single submitter. Criteria: Ambry Variant Classification Scheme 2023. Collection method: clinical testing. Allele origin: germline.
Comment: The p.V474F variant (also known as c.1420G>T), located in coding exon 8 of the GALNT12 gene, results from a G to T substitution at nucleotide position 1420. The valine at codon 474 is replaced by phenylalanine, an amino acid with highly similar properties. This amino acid position is conserved. In addition, the in silico prediction for this alteration is inconclusive. Based on the available evidence, the clinical significance of this variant remains unclear.

NM_024642.5(GALNT12):c.1420G>T (p.Val474Phe)

Gene: GALNT12 (polypeptide N-acetylgalactosaminyltransferase 12; plus strand). Cytogenetic location: 9q22.33.
Variant type: single nucleotide variant.
Coding change: c.1420G>T on transcript NM_024642.5 (MANE Select); coding-DNA position 1420, G replaced by T.
Protein change: p.Val474Phe; replaces valine 474 with phenylalanine.
Molecular consequence: missense variant.
Genome position (GRCh38, 1-based): chr9:98,844,171, G>T. VCF-style: chr9-98844171-G-T. GRCh37 (hg19) VCF-style: chr9-101606453-G-T.
Other names: short protein forms V474F.
Identifiers: ClinVar variation 5022144 (VCV005022144.1).